The following is an entry in ClinVar:

ClinVar aggregate classification (germline): Uncertain significance (1 of 4 stars; one submission).

Conditions:
Ehlers-Danlos syndrome, type 4 (EDSVASC). Also called: Ehlers-Danlos syndrome vascular type; Ehlers Danlos syndrome, ecchymotic type; Ehlers Danlos syndrome, arterial type; Ehlers Danlos syndrome, Sack-Barabas type; Ehlers-Danlos Syndrome Type IV. Identifiers: Orphanet 286, MedGen C0268338, MONDO:0017314, OMIM 130050.

Submission:

Labcorp Genetics (formerly Invitae), Labcorp
Classification: Uncertain significance for Ehlers-Danlos syndrome, type 4. Last evaluated: 2022-05-03. Review status: criteria provided, single submitter. Criteria: Invitae Variant Classification Sherloc (09022015). Collection method: clinical testing. Allele origin: germline.
Comment: This variant has not been reported in the literature in individuals affected with COL3A1-related conditions. Advanced modeling of protein sequence and biophysical properties (such as structural, functional, and spatial information, amino acid conservation, physicochemical variation, residue mobility, and thermodynamic stability) performed at Invitae indicates that this missense variant is not expected to disrupt COL3A1 protein function. In summary, the available evidence is currently insufficient to determine the role of this variant in disease. Therefore, it has been classified as a Variant of Uncertain Significance. This variant is not present in population databases (gnomAD no frequency). This sequence change replaces alanine, which is neutral and non-polar, with serine, which is neutral and polar, at codon 1206 of the COL3A1 protein (p.Ala1206Ser).

NM_000090.4(COL3A1):c.3616G>T (p.Ala1206Ser)

Gene: COL3A1 (collagen type III alpha 1 chain; plus strand). Cytogenetic location: 2q32.2.
Variant type: single nucleotide variant.
Coding change: c.3616G>T on transcript NM_000090.4 (MANE Select); coding-DNA position 3616, G replaced by T.
Protein change: p.Ala1206Ser; replaces alanine 1206 with serine.
Molecular consequence: missense variant.
Genome position (GRCh38, 1-based): chr2:189,009,014, G>T. VCF-style: chr2-189009014-G-T. GRCh37 (hg19) VCF-style: chr2-189873740-G-T.
Other names: short protein forms A1206S.
Identifiers: ClinVar variation 1516118 (VCV001516118.8), dbSNP rs2153504088, ClinGen allele CA349846745.